The following is an entry in ClinVar:

NM_000535.7(PMS2):c.1127C>T (p.Pro376Leu)

Gene: PMS2 (PMS1 homolog 2, mismatch repair system component; minus strand). Cytogenetic location: 7p22.1.
Variant type: single nucleotide variant.
Coding change: c.1127C>T on transcript NM_000535.7 (MANE Select); coding-DNA position 1127, C replaced by T.
Protein change: p.Pro376Leu; replaces proline 376 with leucine.
Molecular consequence: missense variant. On other transcripts: non-coding transcript variant (1), intron variant (2).
Genome position (GRCh38, 1-based): chr7:5,989,817, G>A on the plus strand (C>T on the coding strand, the complement: PMS2 is on the minus strand). VCF-style: chr7-5989817-G-A. GRCh37 (hg19) VCF-style: chr7-6029448-G-A.
Other names: c.722C>T, p.Pro241Leu (NM_001018040.1, NM_001322003.2, NM_001322004.2 and 17 more transcripts); c.809C>T, p.Pro270Leu (NM_001322007.2, NM_001322008.2, NM_001406876.1 and 2 more transcripts); c.194C>T, p.Pro65Leu (NM_001322011.2, NM_001322012.2); c.554C>T, p.Pro185Leu (NM_001322013.2, NM_001406909.1); c.1127C>T, p.Pro376Leu (NM_001322014.2, NM_001406871.1, NM_001406872.1); c.818C>T, p.Pro273Leu (NM_001322015.2, NM_001406875.1, NM_001406877.1 and 5 more transcripts); c.1313C>T, p.Pro438Leu (NM_001406866.1); c.1151C>T, p.Pro384Leu (NM_001406868.1); and 9 more; short protein forms P65L, P119L, P438L, P185L, P241L, P264L, P273L, P320L.
Identifiers: ClinVar variation 2087190 (VCV002087190.5), dbSNP rs1783512400, ClinGen allele CA366742749.

ClinVar aggregate classification (germline): Uncertain significance. Review status: criteria provided, multiple submitters, no conflicts (2 of 4 stars). 2 submissions from 2 submitters: Uncertain significance (2). Last evaluated 2023-12-11.

Conditions:
Hereditary nonpolyposis colorectal neoplasms. Identifiers: MedGen C0009405, MeSH D003123.
Hereditary cancer-predisposing syndrome. Also called: Tumor predisposition; Hereditary Cancer Syndrome; Hereditary neoplastic syndrome; Neoplastic Syndromes, Hereditary. Identifiers: Orphanet 140162, MedGen C0027672, MeSH D009386, MONDO:0015356.

Allele frequency attached by ClinVar (database versions not stated): gnomAD 0.00001.
gnomAD v4.1: 1 of 1,612,128 alleles (0.000062%); highest among the groups gnomAD compares: African/African-American, 0.0013%; no homozygotes.

Submissions (2):

Ambry Genetics
Classification: Uncertain significance for Hereditary cancer-predisposing syndrome. Last evaluated: 2023-12-11. Review status: criteria provided, single submitter. Criteria: Ambry Variant Classification Scheme 2023. Collection method: clinical testing. Allele origin: germline.
Comment: The p.P376L variant (also known as c.1127C>T), located in coding exon 10 of the PMS2 gene, results from a C to T substitution at nucleotide position 1127. The proline at codon 376 is replaced by leucine, an amino acid with similar properties. This amino acid position is conserved. In addition, the in silico prediction for this alteration is inconclusive. Since supporting evidence is limited at this time, the clinical significance of this alteration remains unclear.

Labcorp Genetics (formerly Invitae), Labcorp
Classification: Uncertain significance for Hereditary nonpolyposis colorectal neoplasms. Last evaluated: 2022-01-17. Review status: criteria provided, single submitter. Criteria: Invitae Variant Classification Sherloc (09022015). Collection method: clinical testing. Allele origin: germline.
Comment: In summary, the available evidence is currently insufficient to determine the role of this variant in disease. Therefore, it has been classified as a Variant of Uncertain Significance. Advanced modeling of protein sequence and biophysical properties (such as structural, functional, and spatial information, amino acid conservation, physicochemical variation, residue mobility, and thermodynamic stability) performed at Invitae indicates that this missense variant is not expected to disrupt PMS2 protein function. This variant has not been reported in the literature in individuals affected with PMS2-related conditions. This variant is not present in population databases (gnomAD no frequency). This sequence change replaces proline, which is neutral and non-polar, with leucine, which is neutral and non-polar, at codon 376 of the PMS2 protein (p.Pro376Leu).